The following is an entry in ClinVar:

ClinVar aggregate classification (germline): Likely pathogenic. Review status: criteria provided, multiple submitters, no conflicts (2 of 4 stars). 3 submissions from 3 submitters: Likely pathogenic (3). Last evaluated 2024-12-27.

Conditions:
Dilated cardiomyopathy 1G (CMD1G). Identifiers: Orphanet 154, MedGen C1858763, MONDO:0011400, OMIM 604145.
Autosomal recessive limb-girdle muscular dystrophy type 2J (LGMDR10). Also called: Limb-girdle muscular dystrophy, type 2J; MUSCULAR DYSTROPHY, LIMB-GIRDLE, AUTOSOMAL RECESSIVE 10. Identifiers: Orphanet 140922, MedGen C1837342, MONDO:0012127, OMIM 608807.
Cardiovascular phenotype. Identifiers: MedGen CN230736.
Primary dilated cardiomyopathy (DCM). Also called: Dilated Cardiomyopathy. Identifiers: Orphanet 217604, MedGen C0007193, MeSH D002311, MONDO:0005021, HP:0001644. Inheritance: Various modes of inheritance.

Submissions (3):

Labcorp Genetics (formerly Invitae), Labcorp
Classification: Likely pathogenic for Dilated cardiomyopathy 1G; Autosomal recessive limb-girdle muscular dystrophy type 2J. Last evaluated: 2024-12-27. Review status: criteria provided, single submitter. Criteria: Invitae Variant Classification Sherloc (09022015). Collection method: clinical testing. Allele origin: germline.
Comment: This sequence change creates a premature translational stop signal (p.Thr32555Lysfs*6) in the TTN gene. While this is not anticipated to result in nonsense mediated decay, it is expected to create a truncated TTN protein. This variant is not present in population databases (gnomAD no frequency). This premature translational stop signal has been observed in individual(s) with clinical features of TTN-related cardiac conditions (PMID: 36637017). ClinVar contains an entry for this variant (Variation ID: 1489748). This variant is located in the A band of TTN (PMID: 25589632). Truncating variants in this region are significantly overrepresented in patients affected with dilated cardiomyopathy (PMID: 25589632). Truncating variants in this region have also been reported in individuals affected with autosomal recessive centronuclear myopathy (PMID: 23975875). In summary, the currently available evidence indicates that the variant is pathogenic, but additional data are needed to prove that conclusively. Therefore, this variant has been classified as Likely Pathogenic.

Molecular Genetics, Royal Melbourne Hospital
Classification: Likely pathogenic for Primary dilated cardiomyopathy. Last evaluated: 2024-02-05. Review status: criteria provided, single submitter. Criteria: ACMG Guidelines, 2015. Collection method: clinical testing. Allele origin: germline. Inheritance: Autosomal dominant inheritance. Affected: yes.
Comment: This sequence change in TTN is a frameshift variant predicted to cause a premature stop codon, p.(Thr32555Lysfs*6), in constitutively expressed exon 350 (percentage splice in, PSI, 100%) in the A-band. High PSI truncating variants in TTN have a significant association with dilated cardiomyopathy (PMID: 31216868). The highest population minor allele frequency in the population database gnomAD v4.0 is 0.0002% (2/1,111,496 alleles) in the European (non-Finnish) population, which is consistent with dilated cardiomyopathy. The variant has been reported in a study of cardiomyopathy and atrial fibrillation prevalence using the UK biobank but the affected status of the carrier is not stated (PMID: 36637017). Based on the classification scheme RMH Modified ACMG/AMP Guidelines v1.6.1, this variant is classified as LIKELY PATHOGENIC. Following criteria are met: PVS1, PM2_Supporting.

Ambry Genetics
Classification: Likely pathogenic for Cardiovascular phenotype. Last evaluated: 2023-03-09. Review status: criteria provided, single submitter. Criteria: Ambry Variant Classification Scheme 2023. Collection method: clinical testing. Allele origin: germline.
Comment: The c.70452_70468dup17 variant, located in coding exon 177 of the TTN gene, results from a duplication of AAATAAAGTACCTGTGA at nucleotide position 70452, causing a translational frameshift with a predicted alternate stop codon (p.T23490Kfs*6). This exon is located in the A-band region of the N2-B isoform of the titin protein and is constitutively expressed in TTN transcripts (percent spliced in or PSI 100%). This variant is considered to be rare based on population cohorts in the Genome Aggregation Database (gnomAD). This alteration is expected to result in loss of function by premature protein truncation or nonsense-mediated mRNA decay. While truncating variants in TTN are present in 1-3% of the general population, truncating variants in the A-band are the most common cause of dilated cardiomyopathy (DCM) (Herman DS et al. N. Engl. J. Med., 2012 Feb;366:619-28; Roberts AM et al. Sci Transl Med, 2015 Jan;7:270ra6). TTN truncating variants encoded in constitutive exons (PSI >90%) have been found to be significantly associated with DCM regardless of their position in titin (Schafer S et al. Nat. Genet., 2017 01;49:46-53). As such, this alteration is classified as likely pathogenic.

Literature cited by the submitters: PubMed 36637017 (cited by Labcorp Genetics (formerly Invitae), Labcorp and Molecular Genetics, Royal Melbourne Hospital); PubMed 25589632 (cited by Labcorp Genetics (formerly Invitae), Labcorp); PubMed 23975875 (cited by Labcorp Genetics (formerly Invitae), Labcorp); PubMed 31216868 (cited by Molecular Genetics, Royal Melbourne Hospital).

NM_001267550.2(TTN):c.97647_97663dup (p.Thr32555delinsLysIleLysTyrLeuTer)

Genes: TTN (titin; minus strand), TTN-AS1 (TTN antisense RNA 1; plus strand). Cytogenetic location: 2q31.2.
Variant type: Duplication.
Coding change: c.97647_97663dup on transcript NM_001267550.2 (MANE Select); coding-DNA positions 97647 to 97663, 17 bases duplicated (AAATAAAGTACCTGTGA).
Protein change: p.Thr32555delinsLysIleLysTyrLeuTer.
Molecular consequence: nonsense.
Genome position (GRCh38, 1-based): chr2:178,541,414-178,541,430, TCACAGGTACTTTATTT duplicated on the plus strand (AAATAAAGTACCTGTGA on the coding strand, the reverse complement: TTN is on the minus strand). VCF-style (leftmost placement, unchanged base first): chr2-178541413-G-GTCACAGGTACTTTATTT. GRCh37 (hg19) VCF-style: chr2-179406140-G-GTCACAGGTACTTTATTT.
Other names: c.92724_92740dup, p.Thr30914delinsLysIleLysTyrLeuTer (NM_001256850.1); c.70452_70468dup, p.Thr23490delinsLysIleLysTyrLeuTer (NM_003319.4); c.89943_89959dup, p.Thr29987delinsLysIleLysTyrLeuTer (NM_133378.4); c.70827_70843dup, p.Thr23615delinsLysIleLysTyrLeuTer (NM_133432.3); c.71028_71044dup, p.Thr23682delinsLysIleLysTyrLeuTer (NM_133437.4); c.70452_70468dupAAATAAAGTACCTGTGA (NM_003319.4).
Identifiers: ClinVar variation 1489748 (VCV001489748.10), dbSNP rs2154141588, ClinGen allele CA2573134063.
Genomic context (GRCh38, chr2:178,541,413, plus strand): 5'-GTGACACGGTGTTCATATTCTAAGCCTTCAGTAAGGCCAGTGGAGCGGTACCGTGTCATT[G>GTCACAGGTACTTTATTT]TCACAGGTACTTTATTTACACGGACCCATCGATCTGCTCTCACTTCTTTGCGCTCCACAA-3'